The following is an entry in ClinVar:

NM_015001.3(SPEN):c.7144C>T (p.Gln2382Ter)

Gene: SPEN (spen family transcriptional repressor; plus strand). Cytogenetic location: 1p36.13.
Variant type: single nucleotide variant.
Coding change: c.7144C>T on transcript NM_015001.3 (MANE Select); coding-DNA position 7144, C replaced by T.
Protein change: p.Gln2382Ter; replaces glutamine 2382 with a stop codon.
Molecular consequence: nonsense.
Genome position (GRCh38, 1-based): chr1:15,933,384, C>T. VCF-style: chr1-15933384-C-T. GRCh37 (hg19) VCF-style: chr1-16259879-C-T.
Other names: short protein forms Q2382*.
Identifiers: ClinVar variation 1301851 (VCV001301851.3), dbSNP rs2148741741, ClinGen allele CA338640154.
Genomic context (GRCh38, chr1:15,933,384, plus strand): 5'-GCTCAAGGTGAGAGTCCTGCTGCAAATGAGGGGACAACAGTACAGCACCCCGAAGCCCCA[C>T]AGGAAGAAAAGCAGAGTGAGAAACCCCATTCCACTCCTCCTCAGTCATGTACTTCTGACC-3'

ClinVar aggregate classification (germline): Pathogenic (1 of 4 stars; one submission).

Conditions:
Radio-Tartaglia syndrome. Identifiers: Orphanet 662234, MedGen C5543339, MONDO:0859143, OMIM 619312.

Submission:

Center for Human Genetics and Genomic Medicine, Uniklinik Rwth Aachen
Classification: Pathogenic for Radio-Tartaglia syndrome. Last evaluated: 2021-10-27. Review status: criteria provided, single submitter. Criteria: ACMG Guidelines, 2015. Collection method: clinical testing. Allele origin: de novo. Inheritance: Autosomal dominant inheritance. Affected: yes. Observed: 1 heterozygote.
Comment: The change has not yet been reported in the relevant databases (dbSNP151, gnomAD, ClinVar) or in the literature. In the case of stop or nonsense variants in a gene that matches the phenotype, there is a high probability of pathogenetic relevance.